The following is an entry in ClinVar:

ClinVar aggregate classification (germline): Likely pathogenic. Review status: criteria provided, multiple submitters, no conflicts (2 of 4 stars). 3 submissions from 3 submitters: Likely pathogenic (2). 1 of the submissions does not count toward it. Last evaluated 2024-10-13.

Conditions:
Intellectual developmental disorder with short stature and behavioral abnormalities. Identifiers: MedGen C5231462, MONDO:0032870, OMIM 618687.

Allele frequency attached by ClinVar (database versions not stated): gnomAD exomes 0.00001; TOPMed 0.00002.
gnomAD v4.1: 23 of 1,605,530 alleles (0.0014%); highest among the groups gnomAD compares: Middle Eastern, 0.05%; no homozygotes.

Submissions (3):

Genomic Medicine Center of Excellence, King Faisal Specialist Hospital and Research Centre
Classification: Likely pathogenic for Intellectual developmental disorder with short stature and behavioral abnormalities. Last evaluated: 2024-10-13. Review status: criteria provided, single submitter. Criteria: ACMG Guidelines, 2015. Collection method: clinical testing. Allele origin: germline.
Comment: This variant (GRCh38; NM_014869.8:c.1004G>Ap.Arg335Gln) results in a missense mutation with the conversion of Arginine (Basic amino acid) to Glutamine (Polar amino acid) in the IQSEC1 protein. Not observed at significant frequency in large population cohorts (gnomAD). For recessive disorders, this variant is detected in-trans with a pathogenic variant. This missense variant is in a gene that has a low rate of benign missense variation and in which missense variants are a common mechanism of disease. ClinVar contains an entry for this variant (Variation ID: 695123). Multiple lines of computational evidence of this variant suggest no impact of this variant on gene or gene product. This variant is associated with the following publications: PubMed: 31607425 In summary, this variant meets our criteria for classification as Likely pathogenic based on the evidence outlined.

Department of Medical and Surgical Sciences, University of Bologna
Classification: Likely pathogenic for Intellectual developmental disorder with short stature and behavioral abnormalities. Last evaluated: 2024-01-18. Review status: criteria provided, single submitter. Criteria: ACMG Guidelines, 2015. Collection method: clinical testing. Allele origin: maternal. Inheritance: Autosomal recessive inheritance. Affected: yes.
Comment: Extremely low frequency in gnomAD population database (PM2). Reported as pathogenic in ClinVar (PP5).

OMIM
Classification: Pathogenic for INTELLECTUAL DEVELOPMENTAL DISORDER WITH SHORT STATURE AND BEHAVIORAL ABNORMALITIES. Last evaluated: 2019-12-04. Review status: no assertion criteria provided. Collection method: literature only. Allele origin: germline. Not counted in ClinVar's aggregate classification.

Literature cited by the submitters: PubMed 31607425 (cited by Department of Medical and Surgical Sciences, University of Bologna and OMIM).

NM_001134382.3(IQSEC1):c.962G>A (p.Arg321Gln)

Gene: IQSEC1 (IQ motif and Sec7 domain ArfGEF 1; minus strand). Cytogenetic location: 3p25.2.
Variant type: single nucleotide variant.
Coding change: c.962G>A on transcript NM_001134382.3 (MANE Select); coding-DNA position 962, G replaced by A.
Protein change: p.Arg321Gln; replaces arginine 321 with glutamine.
Molecular consequence: missense variant.
Genome position (GRCh38, 1-based): chr3:12,936,054, C>T on the plus strand (G>A on the coding strand, the complement: IQSEC1 is on the minus strand). VCF-style: chr3-12936054-C-T. GRCh37 (hg19) VCF-style: chr3-12977554-C-T.
Other names: c.638G>A, p.Arg213Gln (NM_001330619.3); c.1286G>A, p.Arg429Gln (NM_001376938.2); c.1004G>A, p.Arg335Gln (NM_014869.8); short protein forms R321Q, R429Q, R213Q, R335Q.
Identifiers: ClinVar variation 695123 (VCV000695123.3), dbSNP rs758170522, ClinGen allele CA2262382.